The following is an entry in ClinVar:

NM_001042492.3(NF1):c.587-1G>A

Gene: NF1 (neurofibromin 1; plus strand). Cytogenetic location: 17q11.2.
Variant type: single nucleotide variant.
Coding change: c.587-1G>A on transcript NM_001042492.3 (MANE Select); the canonical splice acceptor site of the intron before coding-DNA position 587, G replaced by A.
Molecular consequence: splice acceptor variant.
Genome position (GRCh38, 1-based): chr17:31,181,421, G>A. VCF-style: chr17-31181421-G-A. GRCh37 (hg19) VCF-style: chr17-29508439-G-A.
Other names: c.587-1G>A (NM_000267.4, NM_001128147.3).
Identifiers: ClinVar variation 4860849 (VCV004860849.2).

ClinVar aggregate classification (germline): Likely pathogenic. Review status: criteria provided, multiple submitters, no conflicts (2 of 4 stars). 2 submissions from 2 submitters: Likely pathogenic (2). Last evaluated 2026-09-28.

Conditions:
Neurofibromatosis, type 1 (NF1). Also called: VON RECKLINGHAUSEN DISEASE; NEUROFIBROMATOSIS, TYPE I, SOMATIC; Peripheral type neurofibromatosis; Neurofibromatosis, type I. Identifiers: Orphanet 636, MedGen C0027831, MONDO:0018975, OMIM 162200. Disease mechanism: loss of function.
Hereditary cancer-predisposing syndrome. Also called: Neoplastic Syndromes, Hereditary; Tumor predisposition; Hereditary neoplastic syndrome; Hereditary Cancer Syndrome. Identifiers: Orphanet 140162, MedGen C0027672, MeSH D009386, MONDO:0015356.
Cardiovascular phenotype. Identifiers: MedGen CN230736.

Submissions (2):

Myriad Genetics, Inc.
Classification: Likely pathogenic for Neurofibromatosis, type 1. Last evaluated: 2026-09-28. Review status: criteria provided, single submitter. Criteria: Myriad Autosomal Dominant, Autosomal Recessive and X-Linked Classification Criteria (2023). Collection method: clinical testing. Allele origin: unknown.
Comment: This variant is considered likely pathogenic. This variant occurs within a consensus splice junction and is predicted to result in abnormal mRNA splicing of either an out-of-frame exon or an in-frame exon necessary for protein stability and/or normal function.

Ambry Genetics
Classification: Likely pathogenic for Cardiovascular phenotype; Hereditary cancer-predisposing syndrome. Last evaluated: 2026-05-19. Review status: criteria provided, single submitter. Criteria: Ambry Variant Classification Scheme 2023. Collection method: clinical testing. Allele origin: germline.
Comment: The c.587-1G>A intronic variant results from a G to A substitution one nucleotide upstream from coding exon 6 of the NF1 gene. Variants that disrupt the canonical splice site are expected to result in aberrant splicing. In silico splice site analysis predicts that this alteration will weaken the native splice acceptor site and will result in the creation or strengthening of a novel splice acceptor site. A resulting transcript is predicted to be in-frame and is not expected to trigger nonsense-mediated mRNAdecay; although, direct evidence is unavailable. However, the region predicted to be impacted is critical for protein function (Ambry internal data). Other variants impacting the same acceptor site (c.587-1G>C, c.587-2A>G) have been identified in individuals with features consistent with neurofibromatosis type 1 (Ambry internal data; external communication). This variant was reported in individual(s) with features consistent with neurofibromatosis type 1 (Pros E et al. Hum Mutat, 2008 Sep;29:E173-93). This variant is considered to be rare based on population cohorts in the Genome Aggregation Database (gnomAD). This nucleotide position is highly conserved in available vertebrate species. Based on the majority of available evidence to date, this variant is likely to be pathogenic.

Literature cited by the submitters: PubMed 18546366 (cited by Ambry Genetics).